The following is an entry in ClinVar:

NM_021153.4(CDH19):c.73A>G (p.Asn25Asp)

Gene: CDH19 (cadherin 19; minus strand). Cytogenetic location: 18q22.1.
Variant type: single nucleotide variant.
Coding change: c.73A>G on transcript NM_021153.4 (MANE Select); coding-DNA position 73, A replaced by G.
Protein change: p.Asn25Asp; replaces asparagine 25 with aspartic acid.
Molecular consequence: missense variant. On other transcripts: non-coding transcript variant (1).
Genome position (GRCh38, 1-based): chr18:66,572,132, T>C on the plus strand (A>G on the coding strand, the complement: CDH19 is on the minus strand). VCF-style: chr18-66572132-T-C. GRCh37 (hg19) VCF-style: chr18-64239369-T-C.
Other names: c.73A>G, p.Asn25Asp (NM_001271028.2); short protein forms N25D.
Identifiers: ClinVar variation 3044858 (VCV003044858.2), dbSNP rs113837639, ClinGen allele CA8992289.

ClinVar aggregate classification (germline): Benign (0 of 4 stars; one submission).

Conditions:
CDH19-related disorder. Also called: CDH19-related condition.

Allele frequency attached by ClinVar (database versions not stated): gnomAD exomes 0.00079; ExAC 0.00287; gnomAD 0.00833; 1000 Genomes Project 0.00919; TOPMed 0.00931; 1000 Genomes Project 30x 0.00953; ESP Exome Variant Server 0.01130.
gnomAD v4.1: 2,491 of 1,611,574 alleles (0.15%); highest among the groups gnomAD compares: African/African-American, 2.7%; 24 homozygotes.

Submission:

PreventionGenetics, part of Exact Sciences
Classification: Benign for CDH19-related condition. Last evaluated: 2019-04-24. Review status: no assertion criteria provided. Collection method: clinical testing. Allele origin: germline.
Comment: This variant is classified as benign based on ACMG/AMP sequence variant interpretation guidelines (Richards et al. 2015 PMID: 25741868, with internal and published modifications).